The following is an entry in ClinVar:

NM_022489.4(INF2):c.3638G>A (p.Arg1213Gln)

Gene: INF2 (inverted formin 2; plus strand). Cytogenetic location: 14q32.33.
Variant type: single nucleotide variant.
Coding change: c.3638G>A on transcript NM_022489.4 (MANE Select); coding-DNA position 3638, G replaced by A.
Protein change: p.Arg1213Gln; replaces arginine 1213 with glutamine.
Molecular consequence: missense variant.
Genome position (GRCh38, 1-based): chr14:104,714,800, G>A. VCF-style: chr14-104714800-G-A. GRCh37 (hg19) VCF-style: chr14-105181137-G-A.
Other names: c.3638G>A, p.Arg1213Gln (NM_001031714.4); short protein forms R1213Q.
Identifiers: ClinVar variation 472859 (VCV000472859.17), dbSNP rs199801767, ClinGen allele CA7373329.
Genomic context (GRCh38, chr14:104,714,800, plus strand): 5'-TCTCCGAGGATGCGGTGACCGACTCCTCGGGGTCGGGCACACTCCCCAGGGCCCGGGGCC[G>A]GGCCTCAAAGGGGACCGGGAAGCGAAGGAAGAAGCGTCCCTCCAGGAGCCAGGAAGGTAA-3'
Protein context (NP_071934.3, residues 1203-1223): GSGTLPRARG[Arg1213Gln]ASKGTGKRRK

ClinVar aggregate classification (germline): Benign/Likely benign. Review status: criteria provided, multiple submitters, no conflicts (2 of 4 stars). 4 submissions from 4 submitters: Benign (1); Likely benign (2). 1 of the submissions does not count toward it. Last evaluated 2025-12-01.

Conditions:
INF2-related disorder. Also called: INF2-related condition.
Inborn genetic diseases. Identifiers: MedGen C0950123, MeSH D030342.
Focal segmental glomerulosclerosis 5 (FSGS5). Identifiers: Orphanet 656, MedGen C2750475, MONDO:0013191, OMIM 613237.
Charcot-Marie-Tooth disease dominant intermediate E. Also called: CHARCOT-MARIE-TOOTH NEUROPATHY WITH FOCAL SEGMENTAL GLOMERULONEPHRITIS. Identifiers: Orphanet 93114, MedGen C4302667, MONDO:0013758, OMIM 614455.

Allele frequency attached by ClinVar (database versions not stated): gnomAD exomes 0.00015; ExAC 0.00028; ESP Exome Variant Server 0.00034; gnomAD 0.00046 and 0.00047; TOPMed 0.00065; 1000 Genomes Project 0.00080; 1000 Genomes Project 30x 0.00094.
gnomAD v4.1: 188 of 1,595,222 alleles (0.012%); highest among the groups gnomAD compares: African/African-American, 0.098%; no homozygotes.

Submissions (4):

Labcorp Genetics (formerly Invitae), Labcorp
Classification: Likely benign for Charcot-Marie-Tooth disease dominant intermediate E; Focal segmental glomerulosclerosis 5. Last evaluated: 2025-12-01. Review status: criteria provided, single submitter. Criteria: Invitae Variant Classification Sherloc (09022015). Collection method: clinical testing. Allele origin: germline.

Ambry Genetics
Classification: Benign for Inborn genetic diseases. Last evaluated: 2021-09-20. Review status: criteria provided, single submitter. Criteria: Ambry Variant Classification Scheme 2023. Collection method: clinical testing. Allele origin: germline.

GeneDx
Classification: Likely benign. Last evaluated: 2020-12-04. Review status: criteria provided, single submitter. Criteria: GeneDx Variant Classification (06012015). Collection method: clinical testing. Allele origin: germline. Affected: yes.

PreventionGenetics, part of Exact Sciences
Classification: Likely benign for INF2-related condition. Last evaluated: 2022-12-20. Review status: no assertion criteria provided. Collection method: clinical testing. Allele origin: germline. Not counted in ClinVar's aggregate classification.
Comment: This variant is classified as likely benign based on ACMG/AMP sequence variant interpretation guidelines (Richards et al. 2015 PMID: 25741868, with internal and published modifications).